The following is an entry in ClinVar:

ClinVar aggregate classification (germline): Conflicting classifications of pathogenicity. Review status: criteria provided, conflicting classifications (1 of 4 stars). 12 submissions from 12 submitters: Likely pathogenic (4); Uncertain significance (7); Likely benign (1). Last evaluated 2026-02-20.

Conditions:
DSG2-related disorders.
Cardiovascular phenotype. Identifiers: MedGen CN230736.
Dilated cardiomyopathy 1BB (CMD1BB). Also called: CARDIOMYOPATHY, DILATED, 1BB, SUSCEPTIBILITY TO. Identifiers: Orphanet 154, MedGen C2752072, MONDO:0013030, OMIM 612877.
Arrhythmogenic right ventricular dysplasia 10. Also called: Arrhythmogenic Right Ventricular Dysplasia/Cardiomyopathy10; Arrhythmogenic right ventricular dysplasia/cardiomyopathy, type 10; ARRHYTHMOGENIC RIGHT VENTRICULAR DYSPLASIA, FAMILIAL, 10. Identifiers: MedGen C1857777, MONDO:0012434, OMIM 610193.
Cardiomyopathy (CMYO). Also called: Cardiomyopathies. Identifiers: Orphanet 167848, MedGen C0878544, MONDO:0004994, HP:0001638. Inheritance: Various modes of inheritance.
Arrhythmogenic right ventricular cardiomyopathy (ARVD). Also called: Arrhythmogenic cardiomyopathy; Arrhythmogenic Right Ventricular Cardiomyopathy (ARVC); Cardiomyopathy, ARVC; Arrhythmogenic right ventricular dysplasia. Identifiers: Orphanet 247, MedGen C0349788, MeSH D019571, MONDO:0016587. Disease mechanism: loss of function. Inheritance: Various modes of inheritance.

Allele frequency attached by ClinVar (database versions not stated): ExAC 0.00007; gnomAD 0.00003 and 0.00001; gnomAD exomes 0.00006 and 0.00001; TOPMed 0.00007.
gnomAD v4.1: 26 of 1,614,182 alleles (0.0016%); highest among the groups gnomAD compares: East Asian, 0.056%; no homozygotes.

Submissions 1 to 4 of 12:

Victorian Clinical Genetics Services, Murdoch Childrens Research Institute
Classification: Likely pathogenic for Arrhythmogenic right ventricular dysplasia 10. Last evaluated: 2026-02-20. Review status: criteria provided, single submitter. Criteria: ACMG Guidelines, 2015. Collection method: clinical testing. Allele origin: germline. Affected: yes.
Comment: This variant is classified as Likely pathogenic. Evidence in support of pathogenic classification: Variant is present in gnomAD <0.001 for a dominant condition (v4: 26 heterozygote(s), 0 homozygote(s)); This variant has strong previous evidence of pathogenicity in unrelated individuals. This variant has been reported in a homozygous or compound heterozygous state in multiple individuals with ARVC in the literature (PMID: 39253717, 37288269, 35941102, 30177324, 41178662, 18632414). In some cases heterozygous carrier parents showed milder disease, but not all had extensive cardiac investigations (PMID: 30454721). Additionally, it has been primarily classified as a VUS by clinical laboratories in ClinVar, in addition to a single likely pathogenic classification; Missense variant predicted to be damaging by in silico tool(s) or highly conserved with a major amino acid change. Additional information: Variant is predicted to result in a missense amino acid change from Phe to Cys; This variant is heterozygous; This gene is associated with both recessive and dominant disease. Dominant and recessive inheritance has been reported for both arrhythmogenic right ventricular dysplasia 10 (MIM#610193), and dilated cardiomyopathy 1BB (MIM#612877) (OMIM, PanelApp Australia); Other missense variant(s) comparable to the one identified in this case have inconclusive previous evidence for pathogenicity. Both p.(Phe531Leu) and p.(Phe531Ser) have been classified as a VUS by clinical laboratories in ClinVar; Variant is not located in an established domain, motif, hotspot or informative constraint region; Loss of function is a known mechanism of disease in this gene and is associated with arrhythmogenic right ventricular dysplasia 10 (ARVC) (MIM#610193) and dilated cardiomyopathy, 1BB (DCM) (MIM#612877). A single variant has been reported with a gain of function mechanism (PMID: 23071725); Inheritance information for this variant is not currently available in this individual.

Color Diagnostics, LLC DBA Color Health
Classification: Uncertain significance for Cardiomyopathy. Last evaluated: 2025-02-11. Review status: criteria provided, single submitter. Criteria: ACMG Guidelines, 2015. Collection method: clinical testing. Allele origin: germline.
Comment: This missense variant replaces phenylalanine with cysteine at codon 531 of the DSG2 protein. Computational prediction suggests that this variant may have deleterious impact on protein structure and function. A study using a homozygous knock-in mouse model has reported that this variant results in a cardiomyopathy phenotype with left ventricular systolic dysfunction (Wang et. al, 2019). This variant has been reported in over ten individuals of East Asian ancestry affected with arrhythmogenic right ventricular cardiomyopathy, either in homozygous or compound heterozygous state (PMID: 18632414, 23514727, 24125834, 25765472, 28578331, 30129429, 30177324, 30454721, 31183845, 31645976; Wang et. al, 2019, DOI 10.1093/eurheartj/ehz746.0202). In these families, over 20 heterozygous family members were reported to be unaffected, while several heterozygotes were reported to be affected with arrhythmogenic right ventricular cardiomyopathy, dilated cardiomyopathy, or sudden unexplained death. However, some evidence exists suggesting that this variant may be a common benign variant in the population and the biallelic affected individuals reported in the literature may carry another variant that could explain the observed phenotype: In one study that reported 3 homozygous individuals affected with arrhythmogenic cardiomyopathy, a potentially pathogenic covariant was observed in the DSP, SCN5A and MYH7 gene in each of the three probands (PMID: 39253717). In addition, this variant occurs at a high allele frequency in the East Asian population (16/19518 East Asian chromosomes; 0.0819%) by the Genome Aggregation Database (gnomAD). The available evidence is insufficient to determine the role of this variant in autosomal dominant arrhythmogenic cardiomyopathy conclusively. Therefore, this variant is classified as a Variant of Uncertain Significance.

3billion
Classification: Uncertain significance for Dilated cardiomyopathy 1BB. Last evaluated: 2025-01-30. Review status: criteria provided, single submitter. Criteria: ACMG Guidelines, 2015. Collection method: clinical testing. Allele origin: germline. Affected: yes.
Comment: The variant is observed at an extremely low frequency in the gnomAD v4.1.0 dataset (total allele frequency: 0.002%). Predicted Consequence/Location: Missense variant. The majority of the known disease-causing variants of this gene are variants expected to result in premature termination of the protein. In silico tool predictions suggest damaging effect of the variant on gene or gene product [REVEL: 0.74 (>=0.6, sensitivity 0.68 and specificity 0.92)]. The same nucleotide change resulting in the same amino acid change has been previously reported to be associated with DSG2-related disorder (PMID: 18632414). However, the evidence of pathogenicity is insufficient at this time. Therefore, this variant is classified as VUS according to the recommendation of ACMG/AMP guideline.

Labcorp Genetics (formerly Invitae), Labcorp
Classification: Uncertain significance for Arrhythmogenic right ventricular dysplasia 10. Last evaluated: 2024-12-19. Review status: criteria provided, single submitter. Criteria: Invitae Variant Classification Sherloc (09022015). Collection method: clinical testing. Allele origin: germline.
Comment: This sequence change replaces phenylalanine, which is neutral and non-polar, with cysteine, which is neutral and slightly polar, at codon 531 of the DSG2 protein (p.Phe531Cys). This variant is present in population databases (rs200484060, gnomAD 0.08%), and has an allele count higher than expected for a pathogenic variant. This missense change has been observed in individual(s) with arrhythmogenic right ventricular cardiomyopathy (PMID: 18632414, 23514727, 24238504, 25765472, 28578331, 28878402, 30454721, 30830208, 31645976). ClinVar contains an entry for this variant (Variation ID: 44283). Invitae Evidence Modeling of protein sequence and biophysical properties (such as structural, functional, and spatial information, amino acid conservation, physicochemical variation, residue mobility, and thermodynamic stability) has been performed for this missense variant. However, the output from this modeling did not meet the statistical confidence thresholds required to predict the impact of this variant on DSG2 protein function. In summary, the available evidence is currently insufficient to determine the role of this variant in disease. Therefore, it has been classified as a Variant of Uncertain Significance.

NM_001943.5(DSG2):c.1592T>G (p.Phe531Cys)

Gene: DSG2 (desmoglein 2; plus strand). Cytogenetic location: 18q12.1.
Variant type: single nucleotide variant.
Coding change: c.1592T>G on transcript NM_001943.5 (MANE Select); coding-DNA position 1592, T replaced by G.
Protein change: p.Phe531Cys; replaces phenylalanine 531 with cysteine.
Molecular consequence: missense variant.
Genome position (GRCh38, 1-based): chr18:31,536,370, T>G. VCF-style: chr18-31536370-T-G. GRCh37 (hg19) VCF-style: chr18-29116333-T-G.
Other names: short protein forms F531C.
Identifiers: ClinVar variation 44283 (VCV000044283.25), dbSNP rs200484060, ClinGen allele CA021499.
Genomic context (GRCh38, chr18:31,536,370, plus strand): 5'-AGTATGTGAATGTTACTGCAGAGGACCTGGATGGACACCCAAACAGTGGCCCTTTCAGTT[T>G]CTCCGTCATTGACAAACCACCTGGCATGGCAGAAAAATGGAAAATAGCACGCCAAGAAAG-3'
Protein context (NP_001934.2, residues 521-541): DGHPNSGPFS[Phe531Cys]SVIDKPPGMA